The following is an entry in ClinVar:

NM_007294.4(BRCA1):c.1059G>A (p.Trp353Ter)

Gene: BRCA1 (BRCA1 DNA repair associated; minus strand). Cytogenetic location: 17q21.31.
Variant type: single nucleotide variant.
Coding change: c.1059G>A on transcript NM_007294.4 (MANE Select); coding-DNA position 1059, G replaced by A.
Protein change: p.Trp353Ter; replaces tryptophan 353 with a stop codon.
Molecular consequence: nonsense. On other transcripts: intron variant (137).
Genome position (GRCh38, 1-based): chr17:43,094,472, C>T on the plus strand (G>A on the coding strand, the complement: BRCA1 is on the minus strand). VCF-style: chr17-43094472-C-T. GRCh37 (hg19) VCF-style: chr17-41246489-C-T.
Other names: c.918G>A, p.Trp306Ter (NM_001407944.1, NM_001407945.1, NM_007297.4 and 29 more transcripts); c.726G>A, p.Trp242Ter (NM_001407946.1, NM_001407947.1, NM_001407948.1 and 6 more transcripts); c.723G>A, p.Trp241Ter (NM_001407954.1, NM_001407955.1, NM_001407956.1 and 1 more transcripts); c.678G>A, p.Trp226Ter (NM_001407959.1, NM_001407960.1, NM_001407963.1); c.675G>A, p.Trp225Ter (NM_001407962.1); c.915G>A, p.Trp305Ter (NM_001407964.1, NM_001407740.1, NM_001407741.1 and 20 more transcripts); c.555G>A, p.Trp185Ter (NM_001407965.1); c.171G>A, p.Trp57Ter (NM_001407966.1, NM_001407967.1); and 40 more; short protein forms W353*, W306*, W242*, W283*, W305*, W311*, W312*, W326*.
Identifiers: ClinVar variation 54110 (VCV000054110.30), dbSNP rs80356935, ClinGen allele CA000705.

ClinVar aggregate classification (germline): Pathogenic. Review status: reviewed by expert panel (3 of 4 stars). 18 submissions from 18 submitters: Pathogenic (1). 17 of the submissions do not count toward it. Last evaluated 2016-09-08.

Conditions:
Inherited breast cancer and ovarian cancer.
Hereditary cancer-predisposing syndrome. Also called: Tumor predisposition; Neoplastic Syndromes, Hereditary; Hereditary Cancer Syndrome; Hereditary neoplastic syndrome. Identifiers: Orphanet 140162, MedGen C0027672, MeSH D009386, MONDO:0015356.
Hereditary breast ovarian cancer syndrome. Also called: Hereditary breast and ovarian cancer syndrome (HBOC); Hereditary breast and ovarian cancer syndrome; Hereditary breast and ovarian cancer; Hereditary breast and/or ovarian cancer syndrome; Breast and ovarian cancer; BRCA1- and BRCA2-Associated Hereditary Breast and Ovarian Cancer. Identifiers: Orphanet 145, MedGen C0677776, MeSH D061325, MONDO:0003582. Disease mechanism: loss of function.
Breast-ovarian cancer, familial, susceptibility to, 1 (BROVCA1). Also called: OVARIAN CANCER, SUSCEPTIBILITY TO; BRCA1 Hereditary Breast and Ovarian Cancer. Identifiers: Orphanet 145, MedGen C2676676, MONDO:0011450, OMIM 604370. Disease mechanism: loss of function.
Familial cancer of breast. Also called: Hereditary breast cancer; hereditary breast carcinoma; BREAST CANCER, FAMILIAL. Identifiers: Orphanet 227535, MedGen C0346153, MONDO:0016419, OMIM 114480. Disease mechanism: loss of function.

Submissions (18):

Evidence-based Network for the Interpretation of Germline Mutant Alleles (ENIGMA)
Classification: Pathogenic for Breast-ovarian cancer, familial, susceptibility to, 1. Last evaluated: 2016-09-08. Review status: reviewed by expert panel. Criteria: ENIGMA BRCA1/2 Classification Criteria (2015). Collection method: curation. Allele origin: germline.
Comment: Variant allele predicted to encode a truncated non-functional protein.

Genetics Laboratory, Great Ormond Street Hospital NHS Foundation Trust, North Thames Genomic Laboratory Hub
Classification: Pathogenic for Inherited breast cancer and ovarian cancer. Last evaluated: 2026-06-23. Review status: criteria provided, single submitter. Criteria: CanVIG BRCA Gene Specific V1.22. Collection method: clinical testing. Allele origin: germline. Affected: yes. Not counted in ClinVar's aggregate classification.
Comment: PS4_supporting, PM2_moderate, PVS1_very-strong, PM5_strong

Institute for Biomarker Research, Medical Diagnostic Laboratories, L.L.C.
Classification: Pathogenic for Hereditary breast ovarian cancer syndrome. Last evaluated: 2026-03-02. Review status: criteria provided, single submitter. Criteria: ACMG Guidelines, 2015. Collection method: clinical testing. Allele origin: germline. Not counted in ClinVar's aggregate classification.
Comment: The stop gained NM_007294.4(BRCA1):c.1059G>A (p.Trp353Ter) has been reported to ClinVar as Pathogenic with a status of (3 stars) reviewed by expert panel (Accession: VCV000054110.28). This variant is predicted to cause loss of normal protein function through protein truncation. This variant is a stop gained variant which occurs in an exon of BRCA1 upstream of where nonsense mediated decay is predicted to occur. This variant has been previously classified as pathogenic, indicating that the region is critical to protein function. The p.Trp353Ter variant is a loss of function variant in the gene BRCA1, which is intolerant of Loss of Function variants, as indicated by the presence of existing pathogenic loss of function variant NM_007294.4:c.-19-2A>G and 3414 others. For these reasons, this variant has been classified as Pathogenic.

Labcorp Genetics (formerly Invitae), Labcorp
Classification: Pathogenic for Hereditary breast ovarian cancer syndrome. Last evaluated: 2025-05-05. Review status: criteria provided, single submitter. Criteria: Invitae Variant Classification Sherloc (09022015). Collection method: clinical testing. Allele origin: germline. Not counted in ClinVar's aggregate classification.
Comment: This sequence change creates a premature translational stop signal (p.Trp353*) in the BRCA1 gene. It is expected to result in an absent or disrupted protein product. Loss-of-function variants in BRCA1 are known to be pathogenic (PMID: 20104584). This variant is not present in population databases (gnomAD no frequency). This premature translational stop signal has been observed in individual(s) with a personal or family history of breast cancer and/or ovarian cancer (PMID: 25452441, 29310832, 29339979, 29446198, 30322717). ClinVar contains an entry for this variant (Variation ID: 54110). For these reasons, this variant has been classified as Pathogenic.

Ambry Genetics
Classification: Pathogenic for Hereditary cancer-predisposing syndrome. Last evaluated: 2024-12-31. Review status: criteria provided, single submitter. Criteria: Ambry Variant Classification Scheme 2023. Collection method: clinical testing. Allele origin: germline. Not counted in ClinVar's aggregate classification.
Comment: The p.W353* pathogenic mutation (also known as c.1059G>A), located in coding exon 9 of the BRCA1 gene, results from a G to A substitution at nucleotide position 1059. This changes the amino acid from a tryptophan to a stop codon within coding exon 9. This variant is considered to be rare based on population cohorts in the Genome Aggregation Database (gnomAD). This alteration is expected to result in loss of function by premature protein truncation or nonsense-mediated mRNA decay. As such, this alteration is interpreted as a disease-causing mutation.

All of Us Research Program, National Institutes of Health
Classification: Pathogenic for Breast-ovarian cancer, familial, susceptibility to, 1. Last evaluated: 2023-07-19. Review status: criteria provided, single submitter. Criteria: ACMG Guidelines, 2015. Collection method: clinical testing. Allele origin: germline. Inheritance: Autosomal dominant inheritance. Observed: 1 variant allele, 1 heterozygote. Not counted in ClinVar's aggregate classification.
Comment: This variant changes 1 nucleotide in exon 10 of the BRCA1 gene, creating a premature translation stop signal. This variant is expected to result in an absent or non-functional protein product. This variant has been detected in at least one individual each affected with breast or ovarian cancer (PMID: 25452441, 30322717) and in suspected hereditary breast and ovarian cancer families and among CIMBA participants (PMID: 29310832, 29339979, 29446198). This variant has not been identified in the general population by the Genome Aggregation Database (gnomAD). Loss of BRCA1 function is a known mechanism of disease. Based on the available evidence, this variant is classified as Pathogenic.

This study involves interpretation of variants in research participants for the purpose of population health screening. Participant phenotype was not available at the time of variant classification. Additional details can be found in publication PMID: 35346344, PMCID: PMC8962531

Color Diagnostics, LLC DBA Color Health
Classification: Pathogenic for Hereditary cancer-predisposing syndrome. Last evaluated: 2023-05-26. Review status: criteria provided, single submitter. Criteria: ACMG Guidelines, 2015. Collection method: clinical testing. Allele origin: germline. Not counted in ClinVar's aggregate classification.
Comment: This variant changes 1 nucleotide in exon 10 of the BRCA1 gene, creating a premature translation stop signal. This variant is expected to result in an absent or non-functional protein product. This variant has been detected in at least one individual each affected with breast or ovarian cancer (PMID: 25452441, 30322717) and in suspected hereditary breast and ovarian cancer families and among CIMBA participants (PMID: 29310832, 29339979, 29446198). This variant has not been identified in the general population by the Genome Aggregation Database (gnomAD). Loss of BRCA1 function is a known mechanism of disease. Based on the available evidence, this variant is classified as Pathogenic.

GeneDx
Classification: Pathogenic. Last evaluated: 2022-09-15. Review status: criteria provided, single submitter. Criteria: GeneDx Variant Classification Process June 2021. Collection method: clinical testing. Allele origin: germline. Affected: yes. Not counted in ClinVar's aggregate classification.
Comment: Nonsense variant predicted to result in protein truncation or nonsense mediated decay in a gene for which loss of function is a known mechanism of disease; Truncating variants in this gene are considered pathogenic by a well-established clinical consortium and/or database; Observed in several individuals with a personal and/or family history of BRCA1-related cancers (Apessos et al., 2018; Carter et al., 2018; Heramb et al., 2018; Bahsi et al., 2020); Not observed at significant frequency in large population cohorts (gnomAD); Also known as 1178G>A; This variant is associated with the following publications: (PMID: 29310832, Bahsi2020[case report], 30322717, 29339979, 25452441, 29446198, 31477031)

Clinical Genetics Laboratory, Skane University Hospital Lund
Classification: Pathogenic. Last evaluated: 2022-05-27. Review status: criteria provided, single submitter. Criteria: ACMG Guidelines, 2015. Collection method: clinical testing. Allele origin: germline. Affected: yes. Not counted in ClinVar's aggregate classification.

Department of Molecular Diagnostics, Institute of Oncology Ljubljana
Classification: Pathogenic for Breast-ovarian cancer, familial, susceptibility to, 1. Last evaluated: 2020-04-02. Review status: criteria provided, single submitter. Criteria: ACMG Guidelines, 2015. Collection method: clinical testing. Allele origin: germline. Affected: yes. Not counted in ClinVar's aggregate classification.

GeneKor MSA
Classification: Pathogenic for Familial cancer of breast. Last evaluated: 2016-07-01. Review status: criteria provided, single submitter. Criteria: ACMG Guidelines, 2015. Collection method: clinical testing. Allele origin: germline. Affected: yes. Not counted in ClinVar's aggregate classification.

Consortium of Investigators of Modifiers of BRCA1/2 (CIMBA), c/o University of Cambridge
Classification: Pathogenic for Breast-ovarian cancer, familial, susceptibility to, 1. Last evaluated: 2015-10-02. Review status: criteria provided, single submitter. Criteria: CIMBA Mutation Classification guidelines May 2016. Collection method: clinical testing. Allele origin: germline. Not counted in ClinVar's aggregate classification.

Department of Medical Genetics, Oslo University Hospital
Classification: Pathogenic for Breast-ovarian cancer, familial, susceptibility to, 1. Last evaluated: 2015-07-01. Review status: criteria provided, single submitter. Criteria: ACMG Guidelines, 2015. Collection method: clinical testing. Allele origin: germline. Affected: yes. Observed: 2 variant alleles. Not counted in ClinVar's aggregate classification.

BRCAlab, Lund University
Classification: Pathogenic for Breast-ovarian cancer, familial, susceptibility to, 1. Last evaluated: 2020-03-02. Review status: no assertion criteria provided. Collection method: clinical testing. Allele origin: germline. Affected: yes. Not counted in ClinVar's aggregate classification.

Research Molecular Genetics Laboratory, Women's College Hospital, University of Toronto
Classification: Pathogenic for Hereditary breast ovarian cancer syndrome. Last evaluated: 2014-01-31. Review status: no assertion criteria provided. Collection method: research. Allele origin: germline. Affected: yes. Study: The Canadian Open Genetics Repository (COGR). Not counted in ClinVar's aggregate classification.

Breast Cancer Information Core (BIC) (BRCA1)
Classification: Pathogenic for Breast-ovarian cancer, familial 1. Last evaluated: 2004-02-20. Review status: no assertion criteria provided. Collection method: clinical testing. Allele origin: germline. Affected: yes. Observed: 4 variant alleles. Not counted in ClinVar's aggregate classification.

Clinical Genetics DNA and cytogenetics Diagnostics Lab, Erasmus MC, Erasmus Medical Center
Classification: Pathogenic. Review status: no assertion criteria provided. Collection method: clinical testing. Allele origin: germline. Affected: yes. Study: VKGL Data-share Consensus. Not counted in ClinVar's aggregate classification.

Joint Genome Diagnostic Labs from Nijmegen and Maastricht, Radboudumc and MUMC+
Classification: Pathogenic. Review status: no assertion criteria provided. Collection method: clinical testing. Allele origin: germline. Affected: yes. Study: VKGL Data-share Consensus. Not counted in ClinVar's aggregate classification.

Literature cited by the submitters: PubMed 20104584 (cited by Labcorp Genetics (formerly Invitae), Labcorp); PubMed 25452441 (cited by 3 submitters); PubMed 29310832 (cited by 3 submitters); PubMed 29339979 (cited by 3 submitters); PubMed 29446198 (cited by 3 submitters); PubMed 30322717 (cited by 3 submitters).